The following is an entry in ClinVar:

ClinVar aggregate classification (germline): Uncertain significance. Review status: criteria provided, multiple submitters, no conflicts (2 of 4 stars). 2 submissions from 2 submitters: Uncertain significance (2). Last evaluated 2024-11-19.

Conditions:
Branchiootorenal syndrome 2 (BOR2). Identifiers: Orphanet 107, MedGen C1970479, MONDO:0012575, OMIM 610896.

gnomAD v4.1: 44 of 1,611,508 alleles (0.0027%); highest among the groups gnomAD compares: Non-Finnish European, 0.0036%; no homozygotes.

Submissions (2):

Labcorp Genetics (formerly Invitae), Labcorp
Classification: Uncertain significance. Last evaluated: 2024-11-19. Review status: criteria provided, single submitter. Criteria: Invitae Variant Classification Sherloc (09022015). Collection method: clinical testing. Allele origin: germline.
Comment: This sequence change replaces leucine, which is neutral and non-polar, with methionine, which is neutral and non-polar, at codon 541 of the SIX5 protein (p.Leu541Met). This variant is present in population databases (rs369030807, gnomAD 0.0009%). This variant has not been reported in the literature in individuals affected with SIX5-related conditions. Invitae Evidence Modeling of protein sequence and biophysical properties (such as structural, functional, and spatial information, amino acid conservation, physicochemical variation, residue mobility, and thermodynamic stability) has been performed for this missense variant. However, the output from this modeling did not meet the statistical confidence thresholds required to predict the impact of this variant on SIX5 protein function. In summary, the available evidence is currently insufficient to determine the role of this variant in disease. Therefore, it has been classified as a Variant of Uncertain Significance.

Department of Pathology and Laboratory Medicine, Sinai Health System
Classification: Uncertain significance for Branchiootorenal syndrome 2. Last evaluated: 2021-11-10. Review status: criteria provided, single submitter. Criteria: ACMG Guidelines, 2015. Collection method: research. Allele origin: germline.

NM_175875.5(SIX5):c.1621C>A (p.Leu541Met)

Gene: SIX5 (SIX homeobox 5; minus strand). Cytogenetic location: 19q13.32.
Variant type: single nucleotide variant.
Coding change: c.1621C>A on transcript NM_175875.5 (MANE Select); coding-DNA position 1621, C replaced by A.
Protein change: p.Leu541Met; replaces leucine 541 with methionine.
Molecular consequence: missense variant.
Genome position (GRCh38, 1-based): chr19:45,766,100, G>T on the plus strand (C>A on the coding strand, the complement: SIX5 is on the minus strand). VCF-style: chr19-45766100-G-T. GRCh37 (hg19) VCF-style: chr19-46269358-G-T.
Other names: short protein forms L541M.
Identifiers: ClinVar variation 3608855 (VCV003608855.3).